The following is an entry in ClinVar:

ClinVar aggregate classification (germline): Uncertain significance (1 of 4 stars; one submission).

Allele frequency attached by ClinVar (database versions not stated): gnomAD exomes below 0.00001; ExAC 0.00001.
gnomAD v4.1: 3 of 1,612,634 alleles (0.00019%); highest among the groups gnomAD compares: Non-Finnish European, 0.000085%; no homozygotes.

Submission:

ARUP Laboratories, Molecular Genetics and Genomics, ARUP Laboratories
Classification: Uncertain significance. Last evaluated: 2018-06-26. Review status: criteria provided, single submitter. Criteria: ARUP Molecular Germline Variant Investigation Process. Collection method: clinical testing. Allele origin: germline.
Comment: The PKD1 c.4756G>A; p.Asp1586Asn variant (rs770968964), to our knowledge, is not reported in the medical literature or gene specific databases, and is only observed on 1 allele in Genome Aggregation Database. The aspartic acid at codon 1586 is highly conserved, but computational analyses (SIFT: tolerated, PolyPhen-2: probably damaging) predict conflicting effects of this variant on protein structure/function. Due to limited information, the clinical significance of the p.Asp1586Asn variant is uncertain at this time.

NM_001009944.3(PKD1):c.4756G>A (p.Asp1586Asn)

Gene: PKD1 (polycystin 1, transient receptor potential channel interacting; minus strand). Cytogenetic location: 16p13.3.
Variant type: single nucleotide variant.
Coding change: c.4756G>A on transcript NM_001009944.3 (MANE Select); coding-DNA position 4756, G replaced by A.
Protein change: p.Asp1586Asn; replaces aspartic acid 1586 with asparagine.
Molecular consequence: missense variant.
Genome position (GRCh38, 1-based): chr16:2,110,411, C>T on the plus strand (G>A on the coding strand, the complement: PKD1 is on the minus strand). VCF-style: chr16-2110411-C-T. GRCh37 (hg19) VCF-style: chr16-2160412-C-T.
Other names: c.4756G>A, p.Asp1586Asn (NM_000296.4); short protein forms D1586N.
Identifiers: ClinVar variation 618319 (VCV000618319.8), dbSNP rs770968964, ClinGen allele CA7832265.
Genomic context (GRCh38, chr16:2,110,411, plus strand): 5'-TGCCCACGGAGCGGAAGGTGTAAGAGATGGTAGGACCCCCAGGGATGGGCGTGCAGCGGT[C>T]ACAGAGCACCCAGGAATAGCGCACATCACTGCCGGCCTCCAGCGACGTGCTGAAGCTCAC-3'
Protein context (NP_001009944.3, residues 1576-1596): SDVRYSWVLC[Asp1586Asn]RCTPIPGGPT